The following is an entry in ClinVar:

ClinVar aggregate classification (germline): Benign. Review status: criteria provided, multiple submitters, no conflicts (2 of 4 stars). 5 submissions from 5 submitters: Benign (5). Last evaluated 2026-02-04.

Conditions:
Congenital glucose-galactose malabsorption (GGM). Also called: MONOSACCHARIDE MALABSORPTION; DIARRHEA 16. Identifiers: Orphanet 35710, MedGen C0268186, MONDO:0011731, OMIM 606824.

Allele frequency attached by ClinVar (database versions not stated): ESP Exome Variant Server 0.00907; gnomAD 0.01145 and 0.01151; 1000 Genomes Project 0.01398; ExAC 0.01506; TOPMed 0.01542; 1000 Genomes Project 30x 0.01562; gnomAD exomes 0.01784.
gnomAD v4.1: 18,429 of 1,614,004 alleles (1.1%); highest among the groups gnomAD compares: Admixed American, 7%; 263 homozygotes.

Submissions (5):

Labcorp Genetics (formerly Invitae), Labcorp
Classification: Benign for Congenital glucose-galactose malabsorption. Last evaluated: 2026-02-04. Review status: criteria provided, single submitter. Criteria: Invitae Variant Classification Sherloc (09022015). Collection method: clinical testing. Allele origin: germline.

Mayo Clinic Laboratories, Mayo Clinic
Classification: Benign. Last evaluated: 2022-03-09. Review status: criteria provided, single submitter. Criteria: ACMG Guidelines, 2015. Collection method: clinical testing. Allele origin: germline. Observed: 3 variant alleles.

Fulgent Genetics
Classification: Benign for Congenital glucose-galactose malabsorption. Last evaluated: 2021-10-11. Review status: criteria provided, single submitter. Criteria: ACMG Guidelines, 2015. Collection method: clinical testing. Allele origin: unknown.

Illumina Laboratory Services, Illumina
Classification: Benign for Congenital glucose-galactose malabsorption. Last evaluated: 2018-01-13. Review status: criteria provided, single submitter. Criteria: ICSL Variant Classification Criteria 13 December 2019. Collection method: clinical testing. Allele origin: germline.
Comment: This variant was observed in the ICSL laboratory as part of a predisposition screen in an ostensibly healthy population. It had not been previously curated by ICSL or reported in the Human Gene Mutation Database (HGMD: prior to June 1st, 2018), and was therefore a candidate for classification through an automated scoring system. Utilizing variant allele frequency, disease prevalence and penetrance estimates, and inheritance mode, an automated score was calculated to assess if this variant is too frequent to cause the disease. Based on the score and internal cut-off values, a variant classified as benign is not then subjected to further curation. The score for this variant resulted in a classification of benign for this disease.

Breakthrough Genomics
Classification: Benign. Review status: criteria provided, single submitter. Criteria: ACMG Guidelines, 2015. Collection method: not provided. Allele origin: germline. Inheritance: Autosomal recessive inheritance. Affected: yes.

NM_000343.4(SLC5A1):c.6C>T (p.Asp2=)

Gene: SLC5A1 (solute carrier family 5 member 1; plus strand). Cytogenetic location: 22q12.3.
Variant type: single nucleotide variant.
Coding change: c.6C>T on transcript NM_000343.4 (MANE Select); coding-DNA position 6, C replaced by T.
Protein change: p.Asp2=; no amino-acid change (aspartic acid 2 retained).
Molecular consequence: synonymous variant.
Genome position (GRCh38, 1-based): chr22:32,043,287, C>T. VCF-style: chr22-32043287-C-T. GRCh37 (hg19) VCF-style: chr22-32439274-C-T.
Other names: p.Asp2=.
Identifiers: ClinVar variation 341234 (VCV000341234.16), dbSNP rs33973317, ClinGen allele CA10197809.